The following is an entry in ClinVar:

NM_001384140.1(PCDH15):c.3778G>C (p.Val1260Leu)

Gene: PCDH15 (protocadherin related 15; minus strand). Cytogenetic location: 10q21.1.
Variant type: single nucleotide variant.
Coding change: c.3778G>C on transcript NM_001384140.1 (MANE Select); coding-DNA position 3778, G replaced by C.
Protein change: p.Val1260Leu; replaces valine 1260 with leucine.
Molecular consequence: missense variant.
Genome position (GRCh38, 1-based): chr10:53,857,203, C>G on the plus strand (G>C on the coding strand, the complement: PCDH15 is on the minus strand). VCF-style: chr10-53857203-C-G. GRCh37 (hg19) VCF-style: chr10-55616963-C-G.
Other names: c.3793G>C, p.Val1265Leu (NM_001142763.2, NM_001142771.2); c.3778G>C, p.Val1260Leu (NM_001142764.2, NM_001142766.2, NM_001142770.3 and 4 more transcripts); c.3565G>C, p.Val1189Leu (NM_001142765.2); c.3667G>C, p.Val1223Leu (NM_001142767.2); c.3712G>C, p.Val1238Leu (NM_001142768.2, NM_001142773.2, NM_001354404.2); c.3814G>C, p.Val1272Leu (NM_001142769.4); c.3799G>C, p.Val1267Leu (NM_001354411.2); short protein forms V1265L, V1272L, V1223L, V1260L, V1189L, V1238L, V1267L.
Identifiers: ClinVar variation 1915614 (VCV001915614.5), dbSNP rs1229032676, ClinGen allele CA376514308.

ClinVar aggregate classification (germline): Uncertain significance (1 of 4 stars; one submission).

gnomAD v4.1: 7 of 1,609,172 alleles (0.00044%); highest among the groups gnomAD compares: Non-Finnish European, 0.0006%; no homozygotes.

Submission:

Labcorp Genetics (formerly Invitae), Labcorp
Classification: Uncertain significance. Last evaluated: 2022-05-31. Review status: criteria provided, single submitter. Criteria: Invitae Variant Classification Sherloc (09022015). Collection method: clinical testing. Allele origin: germline.
Comment: This sequence change replaces valine, which is neutral and non-polar, with leucine, which is neutral and non-polar, at codon 1260 of the PCDH15 protein (p.Val1260Leu). This variant is present in population databases (no rsID available, gnomAD 0.0009%). This variant has not been reported in the literature in individuals affected with PCDH15-related conditions. Algorithms developed to predict the effect of missense changes on protein structure and function are either unavailable or do not agree on the potential impact of this missense change (SIFT: "Tolerated"; PolyPhen-2: "Possibly Damaging"; Align-GVGD: "Class C0"). In summary, the available evidence is currently insufficient to determine the role of this variant in disease. Therefore, it has been classified as a Variant of Uncertain Significance.